The following is an entry in ClinVar:

ClinVar aggregate classification (germline): Uncertain significance (1 of 4 stars; one submission).

Conditions:
CBL-related disorder. Also called: CBL MUTATION-ASSOCIATED SYNDROME; CBL SYNDROME; NOONAN SYNDROME-LIKE DISORDER WITHOUT JUVENILE MYELOMONOCYTIC LEUKEMIA. Identifiers: Orphanet 363972, MedGen C3150803, MONDO:0013308, OMIM 613563.

Submission:

St. Jude Molecular Pathology, St. Jude Children's Research Hospital
Classification: Uncertain significance for CBL-related disorder. Last evaluated: 2025-06-17. Review status: criteria provided, single submitter. Criteria: St. Jude Assertion Criteria 2020. Collection method: clinical testing. Allele origin: germline.
Comment: The CBL c.1690C>A p.(Pro564Thr) missense change is absent in gnomAD v2.1.1. The in silico tool REVEL is inconclusive about a pathogenic or benign effect of this variant on protein function, and to our knowledge functional studies have not been performed. To our knowledge, this variant has not been reported in individuals with features consistent with a Noonan syndrome-like disorder. In summary, the evidence currently available is insufficient to determine the clinical significance of this variant. It has therefore been classified as of uncertain significance.

NM_005188.4(CBL):c.1690C>A (p.Pro564Thr)

Gene: CBL (Cbl proto-oncogene; plus strand). Cytogenetic location: 11q23.3.
Variant type: single nucleotide variant.
Coding change: c.1690C>A on transcript NM_005188.4 (MANE Select); coding-DNA position 1690, C replaced by A.
Protein change: p.Pro564Thr; replaces proline 564 with threonine.
Molecular consequence: missense variant.
Genome position (GRCh38, 1-based): chr11:119,285,315, C>A. VCF-style: chr11-119285315-C-A. GRCh37 (hg19) VCF-style: chr11-119156025-C-A.
Other names: short protein forms P564T.
Identifiers: ClinVar variation 4056097 (VCV004056097.2).